The following is an entry in ClinVar:

NM_001875.5(CPS1):c.3266G>A (p.Arg1089His)

Gene: CPS1 (carbamoyl-phosphate synthase 1; plus strand). Cytogenetic location: 2q34.
Variant type: single nucleotide variant.
Coding change: c.3266G>A on transcript NM_001875.5 (MANE Select); coding-DNA position 3266, G replaced by A.
Protein change: p.Arg1089His; replaces arginine 1089 with histidine.
Molecular consequence: missense variant. On other transcripts: non-coding transcript variant (2).
Genome position (GRCh38, 1-based): chr2:210,647,987, G>A. VCF-style: chr2-210647987-G-A. GRCh37 (hg19) VCF-style: chr2-211512711-G-A.
Other names: c.3266G>A, p.Arg1089His (NM_001122633.3, NM_001369257.1); c.3299G>A, p.Arg1100His (NM_001369256.1); short protein forms R1100H, R1089H.
Identifiers: ClinVar variation 2994736 (VCV002994736.4), dbSNP rs1280211937, ClinGen allele CA350436199.

ClinVar aggregate classification (germline): Conflicting classifications of pathogenicity. Review status: criteria provided, conflicting classifications (1 of 4 stars). 2 submissions from 2 submitters: Likely pathogenic (1); Uncertain significance (1). Last evaluated 2026-06-17.

Conditions:
Congenital hyperammonemia, type I. Also called: Carbamoyl phosphate synthetase I deficiency disease; Carbamoyl phosphate synthetase 1 deficiency; Hyperammonemia due to carbamoyl phosphate synthetase 1 deficiency; CPS 1 deficiency; Carbamyl phosphate synthetase (CPS) deficiency; CPS I DEFICIENCY. Identifiers: Orphanet 147, MedGen C4082171, MONDO:0009376, OMIM 237300.

gnomAD v4.1: 5 of 1,613,852 alleles (0.00031%); highest among the groups gnomAD compares: South Asian, 0.0022%; no homozygotes.

Submissions (2):

Myriad Genetics, Inc.
Classification: Uncertain significance for Congenital hyperammonemia, type I. Last evaluated: 2026-06-17. Review status: criteria provided, single submitter. Criteria: Myriad Autosomal Dominant, Autosomal Recessive and X-Linked Classification Criteria (2023). Collection method: clinical testing. Allele origin: unknown.
Comment: NM_001875.4(CPS1):c.3266G>A(R1089H) is a missense variant classified as a variant of uncertain significance in the context of carbamoylphosphate synthetase I deficiency. R1089H has not been observed in cases with relevant disease. Relevant functional assessments of this variant are not available in the literature. R1089H has been observed in referenced population frequency databases. In summary, there is insufficient evidence to classify NM_001875.4(CPS1):c.3266G>A(R1089H) as pathogenic or benign. Please note: this variant was assessed in the context of healthy population screening.

Labcorp Genetics (formerly Invitae), Labcorp
Classification: Likely pathogenic for Congenital hyperammonemia, type I. Last evaluated: 2025-12-29. Review status: criteria provided, single submitter. Criteria: Invitae Variant Classification Sherloc (09022015). Collection method: clinical testing. Allele origin: germline.
Comment: This sequence change replaces arginine, which is basic and polar, with histidine, which is basic and polar, at codon 1089 of the CPS1 protein (p.Arg1089His). This variant is present in population databases (no rsID available, gnomAD 0.003%). This variant has not been reported in the literature in individuals affected with CPS1-related conditions. ClinVar contains an entry for this variant (Variation ID: 2994736). Invitae Evidence Modeling of protein sequence and biophysical properties (such as structural, functional, and spatial information, amino acid conservation, physicochemical variation, residue mobility, and thermodynamic stability) indicates that this missense variant is expected to disrupt CPS1 protein function with a positive predictive value of 95%. This variant disrupts the p.Arg1089 amino acid residue in CPS1. Other variant(s) that disrupt this residue have been determined to be pathogenic (PMID: 15876373, 16737834). This suggests that this residue is clinically significant, and that variants that disrupt this residue are likely to be disease-causing. In summary, the currently available evidence indicates that the variant is pathogenic, but additional data are needed to prove that conclusively. Therefore, this variant has been classified as Likely Pathogenic.

Literature cited by the submitters: PubMed 15876373 (cited by Labcorp Genetics (formerly Invitae), Labcorp); PubMed 16737834 (cited by Labcorp Genetics (formerly Invitae), Labcorp).